The following is an entry in ClinVar:

ClinVar aggregate classification (germline): Uncertain significance. Review status: criteria provided, multiple submitters, no conflicts (2 of 4 stars). 2 submissions from 2 submitters: Uncertain significance (2). Last evaluated 2025-11-13.

Conditions:
Gorlin syndrome. Also called: Basal cell nevus syndrome; Nevoid Basal Cell Carcinoma Syndrome. Identifiers: Orphanet 377, MedGen C0004779, MONDO:0007187.

Allele frequency attached by ClinVar (database versions not stated): gnomAD exomes 0.00001; TOPMed 0.00001; gnomAD 0.00003.
gnomAD v4.1: 26 of 1,614,092 alleles (0.0016%); highest among the groups gnomAD compares: African/African-American, 0.004%; no homozygotes.

Submissions (2):

Ambry Genetics
Classification: Uncertain significance. Last evaluated: 2025-11-13. Review status: criteria provided, single submitter. Criteria: Ambry Variant Classification Scheme 2023. Collection method: clinical testing. Allele origin: germline.

Labcorp Genetics (formerly Invitae), Labcorp
Classification: Uncertain significance for Gorlin syndrome. Last evaluated: 2025-11-10. Review status: criteria provided, single submitter. Criteria: Invitae Variant Classification Sherloc (09022015). Collection method: clinical testing. Allele origin: germline.
Comment: This sequence change replaces glycine, which is neutral and non-polar, with aspartic acid, which is acidic and polar, at codon 647 of the PTCH2 protein (p.Gly647Asp). This variant is present in population databases (no rsID available, gnomAD 0.007%). This variant has not been reported in the literature in individuals affected with PTCH2-related conditions. ClinVar contains an entry for this variant (Variation ID: 2174997). Invitae Evidence Modeling of protein sequence and biophysical properties (such as structural, functional, and spatial information, amino acid conservation, physicochemical variation, residue mobility, and thermodynamic stability) indicates that this missense variant is not expected to disrupt PTCH2 protein function with a negative predictive value of 80%. In summary, the available evidence is currently insufficient to determine the role of this variant in disease. Therefore, it has been classified as a Variant of Uncertain Significance.

NM_003738.5(PTCH2):c.1940G>A (p.Gly647Asp)

Gene: PTCH2 (patched 2; minus strand). Cytogenetic location: 1p34.1.
Variant type: single nucleotide variant.
Coding change: c.1940G>A on transcript NM_003738.5 (MANE Select); coding-DNA position 1940, G replaced by A.
Protein change: p.Gly647Asp; replaces glycine 647 with aspartic acid.
Molecular consequence: missense variant.
Genome position (GRCh38, 1-based): chr1:44,827,961, C>T on the plus strand (G>A on the coding strand, the complement: PTCH2 is on the minus strand). VCF-style: chr1-44827961-C-T. GRCh37 (hg19) VCF-style: chr1-45293633-C-T.
Other names: c.1940G>A, p.Gly647Asp (NM_001166292.2); c.1940G>A (NM_003738.4); short protein forms G647D.
Identifiers: ClinVar variation 2174997 (VCV002174997.5), dbSNP rs1320690208, ClinGen allele CA340098912.